The following is an entry in ClinVar:

NM_000824.5(GLRB):c.49G>T (p.Val17Leu)

Gene: GLRB (glycine receptor beta; plus strand). Cytogenetic location: 4q32.1.
Variant type: single nucleotide variant.
Coding change: c.49G>T on transcript NM_000824.5 (MANE Select); coding-DNA position 49, G replaced by T.
Protein change: p.Val17Leu; replaces valine 17 with leucine.
Molecular consequence: missense variant.
Genome position (GRCh38, 1-based): chr4:157,078,073, G>T. VCF-style: chr4-157078073-G-T. GRCh37 (hg19) VCF-style: chr4-157999225-G-T.
Other names: c.49G>T, p.Val17Leu (NM_001166060.2, NM_001166061.2); c.49G>T (NM_000824.4); short protein forms V17L.
Identifiers: ClinVar variation 1946639 (VCV001946639.6), dbSNP rs760529205, ClinGen allele CA358640946.

ClinVar aggregate classification (germline): Uncertain significance. Review status: criteria provided, multiple submitters, no conflicts (2 of 4 stars). 2 submissions from 2 submitters: Uncertain significance (2). Last evaluated 2024-12-07.

Conditions:
Hyperekplexia 2 (HKPX2). Identifiers: Orphanet 3197, MedGen C3553291, MONDO:0013828, OMIM 614619.
Inborn genetic diseases. Identifiers: MedGen C0950123, MeSH D030342.

Submissions (2):

Ambry Genetics
Classification: Uncertain significance for Inborn genetic diseases. Last evaluated: 2024-12-07. Review status: criteria provided, single submitter. Criteria: Ambry Variant Classification Scheme 2023. Collection method: clinical testing. Allele origin: germline.

Labcorp Genetics (formerly Invitae), Labcorp
Classification: Uncertain significance for Hyperekplexia 2. Last evaluated: 2022-03-29. Review status: criteria provided, single submitter. Criteria: Invitae Variant Classification Sherloc (09022015). Collection method: clinical testing. Allele origin: germline.
Comment: Advanced modeling of protein sequence and biophysical properties (such as structural, functional, and spatial information, amino acid conservation, physicochemical variation, residue mobility, and thermodynamic stability) performed at Invitae indicates that this missense variant is not expected to disrupt GLRB protein function. In summary, the available evidence is currently insufficient to determine the role of this variant in disease. Therefore, it has been classified as a Variant of Uncertain Significance. This variant has not been reported in the literature in individuals affected with GLRB-related conditions. This variant is not present in population databases (gnomAD no frequency). This sequence change replaces valine, which is neutral and non-polar, with leucine, which is neutral and non-polar, at codon 17 of the GLRB protein (p.Val17Leu).